The following is an entry in ClinVar:

ClinVar aggregate classification (germline): Likely benign (1 of 4 stars; one submission).

gnomAD v4.1: 2 of 1,195,427 alleles (0.00017%); highest among the groups gnomAD compares: South Asian, 0.0036%; no homozygotes.

Submission:

Mayo Clinic Laboratories, Mayo Clinic
Classification: Likely benign. Last evaluated: 2024-12-10. Review status: criteria provided, single submitter. Criteria: ACMG Guidelines, 2015. Collection method: clinical testing. Allele origin: germline. Observed: 1 variant allele.
Comment: BP4, BP7

NM_013444.4(UBQLN2):c.1569C>A (p.Ala523=)

Gene: UBQLN2 (ubiquilin 2; plus strand). Cytogenetic location: Xp11.21.
Variant type: single nucleotide variant.
Coding change: c.1569C>A on transcript NM_013444.4 (MANE Select); coding-DNA position 1569, C replaced by A.
Protein change: p.Ala523=; no amino-acid change (alanine 523 retained).
Molecular consequence: synonymous variant.
Genome position (GRCh38, 1-based): chrX:56,565,442, C>A. VCF-style: chrX-56565442-C-A. GRCh37 (hg19) VCF-style: chrX-56591875-C-A.
Other names: p.Ala523=.
Identifiers: ClinVar variation 4684529 (VCV004684529.1).
Genomic context (GRCh38, chrX:56,565,442, plus strand): 5'-TATAGTCCCTTTTACCCCCATAGGCCCCATTGGGCCCATAGGACCCACTGGCCCTGCAGC[C>A]CCCCCTGGCTCCACCGGCTCTGGTGGCCCCACGGGGCCTACTGTGTCCAGCGCTGCACCT-3'
Protein context (NP_038472.2, residues 513-533): IGPIGPTGPA[Ala523=]PPGSTGSGGP